The following is an entry in ClinVar:

NM_130384.3(ATRIP):c.2368T>G (p.Cys790Gly)

Genes: ATRIP (ATR interacting protein; plus strand), ATRIP-TREX1 (ATRIP-TREX1 readthrough; plus strand). Cytogenetic location: 3p21.31.
Variant type: single nucleotide variant.
Coding change: c.2368T>G on transcript NM_130384.3 (MANE Select); coding-DNA position 2368, T replaced by G.
Protein change: p.Cys790Gly; replaces cysteine 790 with glycine.
Molecular consequence: missense variant. On other transcripts: non-coding transcript variant (1).
Genome position (GRCh38, 1-based): chr3:48,465,546, T>G. VCF-style: chr3-48465546-T-G. GRCh37 (hg19) VCF-style: chr3-48506945-T-G.
Other names: c.-790T>G (NM_033629.4); c.1987T>G, p.Cys663Gly (NM_001271022.2); c.2089T>G, p.Cys697Gly (NM_001271023.2); c.2287T>G, p.Cys763Gly (NM_032166.4); short protein forms C790G, C763G, C663G, C697G.
Identifiers: ClinVar variation 4182802 (VCV004182802.1).

ClinVar aggregate classification (germline): Uncertain significance (1 of 4 stars; one submission).

Submission:

Ambry Genetics
Classification: Uncertain significance. Last evaluated: 2025-09-12. Review status: criteria provided, single submitter. Criteria: Ambry Variant Classification Scheme 2023. Collection method: clinical testing. Allele origin: germline.
Comment: The p.C790G variant (also known as c.2368T>G), located in coding exon 13 of the ATRIP gene, results from a T to G substitution at nucleotide position 2368. The cysteine at codon 790 is replaced by glycine, an amino acid with highly dissimilar properties. This amino acid position is conserved. In addition, the in silico prediction for this alteration is inconclusive. Based on the available evidence, the clinical significance of this variant remains unclear.